The following is an entry in ClinVar:

NM_001868.4(CPA1):c.673G>A (p.Gly225Ser)

Gene: CPA1 (carboxypeptidase A1; plus strand). Cytogenetic location: 7q32.2.
Variant type: single nucleotide variant.
Coding change: c.673G>A on transcript NM_001868.4 (MANE Select); coding-DNA position 673, G replaced by A.
Protein change: p.Gly225Ser; replaces glycine 225 with serine.
Molecular consequence: missense variant.
Genome position (GRCh38, 1-based): chr7:130,383,771, G>A. VCF-style: chr7-130383771-G-A. GRCh37 (hg19) VCF-style: chr7-130023612-G-A.
Other names: c.673G>A (NM_001868.2); short protein forms G225S.
Identifiers: ClinVar variation 1505315 (VCV001505315.8), dbSNP rs782112003, ClinGen allele CA4484886.
Genomic context (GRCh38, chr7:130,383,771, plus strand): 5'-GCTTTCACCGCCATTCTCGACACCTTGGACATCTTCCTGGAGATCGTCACCAACCCTGAT[G>A]GCTTTGCCTTCACGCACAGCACGGTACCGGCCTTCTCCTGTCCTTGGGGGAAGCAGGATG-3'
Protein context (NP_001859.1, residues 215-235): IFLEIVTNPD[Gly225Ser]FAFTHSTNRM

ClinVar aggregate classification (germline): Uncertain significance. Review status: criteria provided, multiple submitters, no conflicts (2 of 4 stars). 3 submissions from 3 submitters: Uncertain significance (3). Last evaluated 2025-04-09.

Conditions:
Hereditary pancreatitis (PCTT). Also called: Hereditary chronic pancreatitis; PRSS1-Related Hereditary Pancreatitis. Identifiers: Orphanet 676, MedGen C0238339, MONDO:0008185, OMIM 167800.

Allele frequency attached by ClinVar (database versions not stated): gnomAD exomes 0.00002 and 0.00006; TOPMed 0.00002; gnomAD 0.00003 and 0.00004; ExAC 0.00007.
gnomAD v4.1: 30 of 1,613,910 alleles (0.0019%); highest among the groups gnomAD compares: East Asian, 0.013%; no homozygotes.

Submissions (3):

Labcorp Genetics (formerly Invitae), Labcorp
Classification: Uncertain significance. Last evaluated: 2025-04-09. Review status: criteria provided, single submitter. Criteria: Invitae Variant Classification Sherloc (09022015). Collection method: clinical testing. Allele origin: germline.
Comment: This sequence change replaces glycine, which is neutral and non-polar, with serine, which is neutral and polar, at codon 225 of the CPA1 protein (p.Gly225Ser). This variant is present in population databases (rs782112003, gnomAD 0.05%), and has an allele count higher than expected for a pathogenic variant. This missense change has been observed in individual(s) with non-alcoholic and idiomatic chronic pancreatitis (PMID: 23955596, 28497564). ClinVar contains an entry for this variant (Variation ID: 1505315). Invitae Evidence Modeling of protein sequence and biophysical properties (such as structural, functional, and spatial information, amino acid conservation, physicochemical variation, residue mobility, and thermodynamic stability) indicates that this missense variant is expected to disrupt CPA1 protein function with a positive predictive value of 80%. Experimental studies have shown that this missense change affects CPA1 function (PMID: 23955596). In summary, the available evidence is currently insufficient to determine the role of this variant in disease. Therefore, it has been classified as a Variant of Uncertain Significance.

Ambry Genetics
Classification: Uncertain significance for Hereditary pancreatitis. Last evaluated: 2024-12-16. Review status: criteria provided, single submitter. Criteria: Ambry Variant Classification Scheme 2023. Collection method: clinical testing. Allele origin: germline.
Comment: The p.G225S variant (also known as c.673G>A), located in coding exon 6 of the CPA1 gene, results from a G to A substitution at nucleotide position 673. The glycine at codon 225 is replaced by serine, an amino acid with similar properties. This variant was identified in an individual diagnosed with pancreatitis (Wu H et al. Hum Mutat, 2017 Aug;38:959-963). Additionally, this variant was identified in 1 individual with chronic pancreatitis and 0 controls; in vitro studies demonstrated reduced apparent CPA1 activity and secretion levels compared to wild type of 4% and 12%, respectively (Witt H et al. Nat Genet, 2013 Oct;45:1216-20). This amino acid position is highly conserved in available vertebrate species. In addition, this alteration is predicted to be deleterious by in silico analysis. Based on the available evidence, the clinical significance of this variant remains unclear.

Blueprint Genetics
Classification: Uncertain significance. Last evaluated: 2023-08-08. Review status: criteria provided, single submitter. Criteria: ACMG Guidelines, 2015. Collection method: clinical testing. Allele origin: germline.

Literature cited by the submitters: PubMed 23955596 (cited by Labcorp Genetics (formerly Invitae), Labcorp and Ambry Genetics); PubMed 28497564 (cited by Labcorp Genetics (formerly Invitae), Labcorp and Ambry Genetics).